The following is an entry in ClinVar:

NM_014339.7(IL17RA):c.*4004C>T

Gene: IL17RA (interleukin 17 receptor A; plus strand). Cytogenetic location: 22q11.1.
Variant type: single nucleotide variant.
Coding change: c.*4004C>T on transcript NM_014339.7 (MANE Select); 4004 bases downstream of the stop codon, C replaced by T.
Molecular consequence: 3 prime UTR variant.
Genome position (GRCh38, 1-based): chr22:17,113,824, C>T. VCF-style: chr22-17113824-C-T. GRCh37 (hg19) VCF-style: chr22-17594714-C-T.
Other names: c.*4004C>T (NM_001289905.2).
Identifiers: ClinVar variation 340702 (VCV000340702.5), dbSNP rs150231194, ClinGen allele CA10653180.

ClinVar aggregate classification (germline): Likely benign (1 of 4 stars; one submission).

Conditions:
Immunodeficiency 51 (IMD51). Also called: CANDIDIASIS, FAMILIAL, 5. Identifiers: Orphanet 1334, MedGen C4310803, MONDO:0013500, OMIM 613953.

Allele frequency attached by ClinVar (database versions not stated): TOPMed 0.00058; 1000 Genomes Project 0.00060; gnomAD 0.00063 and 0.00068; 1000 Genomes Project 30x 0.00078.

Submission:

Illumina Laboratory Services, Illumina
Classification: Likely benign for Immunodeficiency 51. Last evaluated: 2018-01-12. Review status: criteria provided, single submitter. Criteria: ICSL Variant Classification Criteria 13 December 2019. Collection method: clinical testing. Allele origin: germline.
Comment: This variant was observed in the ICSL laboratory as part of a predisposition screen in an ostensibly healthy population. It had not been previously curated by ICSL or reported in the Human Gene Mutation Database (HGMD: prior to June 1st, 2018), and was therefore a candidate for classification through an automated scoring system. Utilizing variant allele frequency, disease prevalence and penetrance estimates, and inheritance mode, an automated score was calculated to assess if this variant is too frequent to cause the disease. Based on the score and internal cut-off values, a variant classified as likely benign is not then subjected to further curation. The score for this variant resulted in a classification of likely benign for this disease.